The following is an entry in ClinVar:

ClinVar aggregate classification (germline): Likely benign (1 of 4 stars; one submission).

Conditions:
Telangiectasia, hereditary hemorrhagic, type 1 (HHT1). Also called: Osler Weber Rendu syndrome type 1; ENG-Related Hereditary Hemorrhagic Telangiectasia. Identifiers: Orphanet 774, MedGen C4551861, MONDO:0008535, OMIM 187300. Disease mechanism: loss of function.

Allele frequency attached by ClinVar (database versions not stated): gnomAD 0.00081 and 0.00083; TOPMed 0.00087; 1000 Genomes Project 0.00100; 1000 Genomes Project 30x 0.00109; gnomAD exomes 0.00124.
gnomAD v4.1: 567 of 505,550 alleles (0.11%); highest among the groups gnomAD compares: Non-Finnish European, 0.16%; 1 homozygote.

Submission:

Illumina Laboratory Services, Illumina
Classification: Likely benign for Telangiectasia, hereditary hemorrhagic, type 1. Last evaluated: 2018-01-12. Review status: criteria provided, single submitter. Criteria: ICSL Variant Classification Criteria 13 December 2019. Collection method: clinical testing. Allele origin: germline.
Comment: This variant was observed in the ICSL laboratory as part of a predisposition screen in an ostensibly healthy population. It had not been previously curated by ICSL or reported in the Human Gene Mutation Database (HGMD: prior to June 1st, 2018), and was therefore a candidate for classification through an automated scoring system. Utilizing variant allele frequency, disease prevalence and penetrance estimates, and inheritance mode, an automated score was calculated to assess if this variant is too frequent to cause the disease. Based on the score and internal cut-off values, a variant classified as likely benign is not then subjected to further curation. The score for this variant resulted in a classification of likely benign for this disease.

NM_001114753.3(ENG):c.-289A>T

Gene: ENG (endoglin; minus strand). Cytogenetic location: 9q34.11.
Variant type: single nucleotide variant.
Coding change: c.-289A>T on transcript NM_001114753.3 (MANE Select); 289 bases upstream of the start codon, A replaced by T.
Molecular consequence: 5 prime UTR variant.
Genome position (GRCh38, 1-based): chr9:127,854,644, T>A on the plus strand (A>T on the coding strand, the complement: ENG is on the minus strand). VCF-style: chr9-127854644-T-A. GRCh37 (hg19) VCF-style: chr9-130616923-T-A.
Other names: c.-289A>T (NM_000118.4, NM_001406715.1).
Identifiers: ClinVar variation 365104 (VCV000365104.7), dbSNP rs538284289, ClinGen allele CA10632673.